The following is an entry in ClinVar:

NM_002246.3(KCNK3):c.330del (p.Phe109_Cys110insTer)

Gene: KCNK3 (potassium two pore domain channel subfamily K member 3; plus strand). Cytogenetic location: 2p23.3.
Variant type: Deletion.
Coding change: c.330del on transcript NM_002246.3 (MANE Select); coding-DNA position 330, one base deleted (C; older notation c.330delC).
Protein change: p.Phe109_Cys110insTer.
Molecular consequence: nonsense.
Genome position (GRCh38, 1-based): chr2:26,727,713, C deleted. VCF-style (leftmost placement, unchanged base first): chr2-26727712-GC-G. GRCh37 (hg19) VCF-style: chr2-26950580-GC-G.
Identifiers: ClinVar variation 2851228 (VCV002851228.1), dbSNP rs1369195926, ClinGen allele CA425488652.

ClinVar aggregate classification (germline): Uncertain significance (1 of 4 stars; one submission).

Conditions:
Pulmonary hypertension, primary, 4. Identifiers: Orphanet 422, MedGen C3809198, MONDO:0014136, OMIM 615344.

Allele frequency attached by ClinVar (database versions not stated): gnomAD exomes below 0.00001; gnomAD 0.00001.

Submission:

Labcorp Genetics (formerly Invitae), Labcorp
Classification: Uncertain significance for Pulmonary hypertension, primary, 4. Last evaluated: 2023-09-20. Review status: criteria provided, single submitter. Criteria: Invitae Variant Classification Sherloc (09022015). Collection method: clinical testing. Allele origin: germline.
Comment: This sequence change creates a premature translational stop signal (p.Cys110*) in the KCNK3 gene. While this is not anticipated to result in nonsense mediated decay, it is expected to disrupt the last 285 amino acid(s) of the KCNK3 protein. This variant is present in population databases (no rsID available, gnomAD 0.007%). This variant has not been reported in the literature in individuals affected with KCNK3-related conditions. In summary, the available evidence is currently insufficient to determine the role of this variant in disease. Therefore, it has been classified as a Variant of Uncertain Significance. Experimental studies and prediction algorithms are not available or were not evaluated, and the functional significance of this variant is currently unknown.